The following is an entry in ClinVar:

ClinVar aggregate classification (germline): Likely pathogenic. Review status: criteria provided, multiple submitters, no conflicts (2 of 4 stars). 2 submissions from 2 submitters: Likely pathogenic (2). Last evaluated 2025-08-31.

Conditions:
Dilated cardiomyopathy 1G (CMD1G). Identifiers: Orphanet 154, MedGen C1858763, MONDO:0011400, OMIM 604145.
Autosomal recessive limb-girdle muscular dystrophy type 2J (LGMDR10). Also called: Limb-girdle muscular dystrophy, type 2J; MUSCULAR DYSTROPHY, LIMB-GIRDLE, AUTOSOMAL RECESSIVE 10. Identifiers: Orphanet 140922, MedGen C1837342, MONDO:0012127, OMIM 608807.
Cardiovascular phenotype. Identifiers: MedGen CN230736.

Submissions (2):

Labcorp Genetics (formerly Invitae), Labcorp
Classification: Likely pathogenic for Dilated cardiomyopathy 1G; Autosomal recessive limb-girdle muscular dystrophy type 2J. Last evaluated: 2025-08-31. Review status: criteria provided, single submitter. Criteria: Invitae Variant Classification Sherloc (09022015). Collection method: clinical testing. Allele origin: germline.
Comment: This sequence change creates a premature translational stop signal (p.Ser4447*) in the TTN gene. While this is not anticipated to result in nonsense mediated decay, it is expected to create a truncated TTN protein. This variant is not present in population databases (gnomAD no frequency). This variant has not been reported in the literature in individuals affected with TTN-related conditions. ClinVar contains an entry for this variant (Variation ID: 2950750). This variant is located in the I band of TTN (PMID: 25589632). Truncating variants in this region have been reported in individuals affected with autosomal recessive centronuclear myopathy (PMID: 23975875, internal data). Truncating variants in this region have also been identified in individuals affected with autosomal dominant dilated cardiomyopathy and/or cardio-related conditions (PMID: 27869827, 32964742, internal data). In summary, the currently available evidence indicates that the variant is pathogenic, but additional data are needed to prove that conclusively. Therefore, this variant has been classified as Likely Pathogenic.

Ambry Genetics
Classification: Likely pathogenic for Cardiovascular phenotype. Last evaluated: 2024-10-05. Review status: criteria provided, single submitter. Criteria: Ambry Variant Classification Scheme 2023. Collection method: clinical testing. Allele origin: germline.
Comment: The p.S4084* variant (also known as c.12251C>A), located in coding exon 44 of the TTN gene, results from a C to A substitution at nucleotide position 12251. This changes the amino acid from a serine to a stop codon within coding exon 44. This exon is located in the I-band region of the N2-B isoform of the titin protein and is constitutively expressed in TTN transcripts (percent spliced in or PSI 100%). This variant is considered to be rare based on population cohorts in the Genome Aggregation Database (gnomAD). This alteration is expected to result in loss of function by premature protein truncation or nonsense-mediated mRNA decay. While truncating variants in TTN are present in 1-3% of the general population, truncating variants in the A-band are the most common cause of dilated cardiomyopathy (DCM) (Herman DS et al. N. Engl. J. Med., 2012 Feb;366:619-28; Roberts AM et al. Sci Transl Med, 2015 Jan;7:270ra6). TTN truncating variants encoded in constitutive exons (PSI >90%) have been found to be significantly associated with DCM regardless of their position in titin (Schafer S et al. Nat. Genet., 2017 01;49:46-53). Based on the majority of available evidence to date, this variant is likely to be pathogenic.

Literature cited by the submitters: PubMed 25589632 (cited by Labcorp Genetics (formerly Invitae), Labcorp); PubMed 23975875 (cited by Labcorp Genetics (formerly Invitae), Labcorp); PubMed 27869827 (cited by Labcorp Genetics (formerly Invitae), Labcorp); PubMed 32964742 (cited by Labcorp Genetics (formerly Invitae), Labcorp).

NM_001267550.2(TTN):c.13340C>A (p.Ser4447Ter)

Gene: TTN (titin; minus strand). Cytogenetic location: 2q31.2.
Variant type: single nucleotide variant.
Coding change: c.13340C>A on transcript NM_001267550.2 (MANE Select); coding-DNA position 13340, C replaced by A.
Protein change: p.Ser4447Ter; replaces serine 4447 with a stop codon.
Molecular consequence: nonsense. On other transcripts: intron variant (1).
Genome position (GRCh38, 1-based): chr2:178,739,893, G>T on the plus strand (C>A on the coding strand, the complement: TTN is on the minus strand). VCF-style: chr2-178739893-G-T. GRCh37 (hg19) VCF-style: chr2-179604620-G-T.
Other names: c.12389C>A, p.Ser4130Ter (NM_001256850.1); c.12251C>A, p.Ser4084Ter (NM_003319.4); c.12626C>A, p.Ser4209Ter (NM_133432.3); c.12827C>A, p.Ser4276Ter (NM_133437.4); c.10361-1533C>A (NM_133378.4); short protein forms S4084*, S4447*, S4130*, S4276*, S4209*.
Identifiers: ClinVar variation 2950750 (VCV002950750.4), dbSNP rs777547090, ClinGen allele CA349608383.
Genomic context (GRCh38, chr2:178,739,893, plus strand): 5'-GCCATTTGAGGATCAACATCTTCAATAATGATGGTTACTTCTTCTGTTACAGACTTTGCC[G>T]AAGTAACAAGGTACATGCACATGATGTGTCTGGGCTCTTGGGTGATGTTTACAGCCTCGA-3'